The following is an entry in ClinVar:

ClinVar aggregate classification (germline): Pathogenic. Review status: criteria provided, multiple submitters, no conflicts (2 of 4 stars). 4 submissions from 4 submitters: Pathogenic (3). 1 of the submissions does not count toward it. Last evaluated 2025-11-10.

Conditions:
Polyglandular autoimmune syndrome, type 1 (APS1). Also called: HYPOADRENOCORTICISM WITH HYPOPARATHYROIDISM AND SUPERFICIAL MONILIASIS; Whitaker syndrome; Autoimmune polyendocrine syndrome type 1; Autoimmune polyendocrinopathy syndrome , type I, with or without reversible metaphyseal dysplasia; APS I; PGA I. Identifiers: Orphanet 3453, MedGen C0085859, MONDO:0009411, OMIM 240300.
Autoimmune polyglandular syndrome type 1, with reversible metaphyseal dysplasia. Also called: AUTOIMMUNE POLYENDOCRINOPATHY SYNDROME, TYPE I, WITH REVERSIBLE METAPHYSEAL DYSPLASIA. Identifiers: MedGen C2749602.

Allele frequency attached by ClinVar (database versions not stated): gnomAD 0.00001; gnomAD exomes 0.00001; TOPMed 0.00001.

Submissions (4):

Natera, Inc.
Classification: Pathogenic for Polyglandular autoimmune syndrome type 1. Last evaluated: 2025-11-10. Review status: criteria provided, single submitter. Criteria: Natera Variant Classification Schema (03/2026). Collection method: clinical testing. Allele origin: germline.
Comment: The c.789del variant in AIRE is a frameshift variant predicted to shift the reading frame beginning at codon 264 and leads to a stop codon 114 codons downstream. This variant is expected to result in nonsense mediated decay, truncation, or a dysfunctional protein product. This variant is rare in the general population with a frequency below the threshold expected for the associated phenotype(s). This variant has been observed in one or more individuals affected with the associated recessive disease, as either homozygous or compound heterozygous with a second variant (PMID: 14557425). Given the available evidence, this variant is classified as Pathogenic.

National Institute of Allergy and Infectious Diseases - Centralized Sequencing Program, National Institutes of Health
Classification: Pathogenic for APECED. Last evaluated: 2023-09-14. Review status: criteria provided, single submitter. Criteria: ACMG Guidelines, 2015. Collection method: clinical testing. Allele origin: germline. Affected: yes.

Labcorp Genetics (formerly Invitae), Labcorp
Classification: Pathogenic for Polyglandular autoimmune syndrome, type 1. Last evaluated: 2023-08-09. Review status: criteria provided, single submitter. Criteria: Invitae Variant Classification Sherloc (09022015). Collection method: clinical testing. Allele origin: germline.
Comment: ClinVar contains an entry for this variant (Variation ID: 3315). This premature translational stop signal has been observed in individual(s) with autoimmune polyendocrinopathy syndrome (PMID: 14557425). This variant is not present in population databases (gnomAD no frequency). This sequence change creates a premature translational stop signal (p.Ala264Leufs*114) in the AIRE gene. It is expected to result in an absent or disrupted protein product. Loss-of-function variants in AIRE are known to be pathogenic (PMID: 11524731, 26141571). For these reasons, this variant has been classified as Pathogenic.

OMIM
Classification: Pathogenic for AUTOIMMUNE POLYENDOCRINOPATHY SYNDROME, TYPE I, WITH REVERSIBLE METAPHYSEAL DYSPLASIA. Last evaluated: 2003-10-01. Review status: no assertion criteria provided. Collection method: literature only. Allele origin: germline. Not counted in ClinVar's aggregate classification.

Literature cited by the submitters: PubMed 14557425 (cited by 3 submitters); PubMed 28446514 (cited by National Institute of Allergy and Infectious Diseases - Centralized Sequencing Program, National Institutes of Health); PubMed 27588307 (cited by National Institute of Allergy and Infectious Diseases - Centralized Sequencing Program, National Institutes of Health); PubMed 11524731 (cited by Labcorp Genetics (formerly Invitae), Labcorp); PubMed 26141571 (cited by Labcorp Genetics (formerly Invitae), Labcorp).

NM_000383.4(AIRE):c.789del (p.Ala264fs)

Gene: AIRE (autoimmune regulator; plus strand). Cytogenetic location: 21q22.3.
Variant type: Deletion.
Coding change: c.789del on transcript NM_000383.4 (MANE Select); coding-DNA position 789, one base deleted (C; older notation c.789delC).
Protein change: p.Ala264fs; shifts the reading frame from alanine 264.
Molecular consequence: frameshift variant.
Genome position (GRCh38, 1-based): chr21:44,289,793, C deleted. VCF-style (leftmost placement, unchanged base first): chr21-44289792-GC-G. GRCh37 (hg19) VCF-style: chr21-45709675-GC-G.
Other names: short protein forms A264fs.
Identifiers: ClinVar variation 3315 (VCV000003315.15), dbSNP rs387906295, ClinGen allele CA116150.